The following is an entry in ClinVar:

NM_001127222.2(CACNA1A):c.1857_1859dup (p.Leu620_Phe621insLeu)

Gene: CACNA1A (calcium voltage-gated channel subunit alpha1 A; minus strand). Cytogenetic location: 19p13.13.
Variant type: Duplication.
Coding change: c.1857_1859dup on transcript NM_001127222.2 (MANE Select); coding-DNA positions 1857 to 1859, 3 bases duplicated (CCT; older notation c.1857_1859dupCCT).
Protein change: p.Leu620_Phe621insLeu.
Molecular consequence: inframe insertion.
Genome position (GRCh38, 1-based): chr19:13,308,174-13,308,176, AGG duplicated on the plus strand (CCT on the coding strand, the reverse complement: CACNA1A is on the minus strand); duplicating any 3 consecutive bases within chr19:13,308,174-13,308,178 gives the same sequence; the c. name uses the placement nearest the transcript's 3' end. VCF-style (leftmost placement, unchanged base first): chr19-13308173-A-AAGG. GRCh37 (hg19) VCF-style: chr19-13418987-A-AAGG.
Other names: c.1860_1862dup, p.Leu621_Phe622insLeu (NM_000068.4, NM_001127221.2, NM_001174080.2 and 1 more transcripts).
Identifiers: ClinVar variation 2952938 (VCV002952938.3), dbSNP rs2512947851, ClinGen allele CA2740091951.

ClinVar aggregate classification (germline): Uncertain significance (1 of 4 stars; one submission).

Conditions:
Episodic ataxia type 2 (EA2). Also called: CEREBELLAR ATAXIA, PAROXYSMAL, ACETAZOLAMIDE-RESPONSIVE; CEREBELLOPATHY, HEREDITARY PAROXYSMAL; EPISODIC ATAXIA, NYSTAGMUS-ASSOCIATED; ACETAZOLAMIDE-RESPONSIVE HEREDITARY PAROXYSMAL CEREBELLAR ATAXIA; ATAXIA, EPISODIC, WITH NYSTAGMUS; ATAXIA, FAMILIAL PAROXYSMAL. Identifiers: Orphanet 97, MedGen C1720416, MONDO:0007163, OMIM 108500.
Developmental and epileptic encephalopathy, 42 (DEE42A). Also called: Epileptic encephalopathy, early infantile, 42; DEVELOPMENTAL AND EPILEPTIC ENCEPHALOPATHY 42A; EPILEPTIC ENCEPHALOPATHY, EARLY INFANTILE, 42A. Identifiers: MedGen C4310716, MONDO:0014917, OMIM 617106.

Submission:

Labcorp Genetics (formerly Invitae), Labcorp
Classification: Uncertain significance for Developmental and epileptic encephalopathy, 42; Episodic ataxia type 2. Last evaluated: 2023-10-16. Review status: criteria provided, single submitter. Criteria: Invitae Variant Classification Sherloc (09022015). Collection method: clinical testing. Allele origin: germline.
Comment: This variant, c.1860_1862dup, results in the insertion of 1 amino acid(s) of the CACNA1A protein (p.Leu621dup), but otherwise preserves the integrity of the reading frame. This variant is not present in population databases (gnomAD no frequency). This variant has not been reported in the literature in individuals affected with CACNA1A-related conditions. In summary, the available evidence is currently insufficient to determine the role of this variant in disease. Therefore, it has been classified as a Variant of Uncertain Significance.